The following is an entry in ClinVar:

NM_001347721.2(DYRK1A):c.1481A>C (p.Gln494Pro)

Gene: DYRK1A (dual specificity tyrosine phosphorylation regulated kinase 1A; plus strand). Cytogenetic location: 21q22.13.
Variant type: single nucleotide variant.
Coding change: c.1481A>C on transcript NM_001347721.2 (MANE Select); coding-DNA position 1481, A replaced by C.
Protein change: p.Gln494Pro; replaces glutamine 494 with proline.
Molecular consequence: missense variant.
Genome position (GRCh38, 1-based): chr21:37,505,551, A>C. VCF-style: chr21-37505551-A-C. GRCh37 (hg19) VCF-style: chr21-38877854-A-C.
Other names: c.1481A>C, p.Gln494Pro (NM_001347722.2, NM_130436.2); c.1394A>C, p.Gln465Pro (NM_001347723.2); c.1508A>C, p.Gln503Pro (NM_001396.5, NM_101395.2, NM_130438.2); short protein forms Q465P, Q503P, Q494P.
Identifiers: ClinVar variation 1475091 (VCV001475091.6), dbSNP rs2053571059, ClinGen allele CA409938693.

ClinVar aggregate classification (germline): Uncertain significance (1 of 4 stars; one submission).

Conditions:
DYRK1A-related intellectual disability syndrome (MRD7). Also called: DYRK1A Syndrome; Intellectual developmental disorder, autosomal dominant 7. Identifiers: Orphanet 464306, MedGen C5568143, MONDO:0013578, OMIM 614104.

Allele frequency attached by ClinVar (database versions not stated): gnomAD 0.00001.
gnomAD v4.1: 1 of 1,609,530 alleles (0.000062%); highest among the groups gnomAD compares: Admixed American, 0.0017%; no homozygotes.

Submission:

Labcorp Genetics (formerly Invitae), Labcorp
Classification: Uncertain significance for DYRK1A-related intellectual disability syndrome. Last evaluated: 2023-11-03. Review status: criteria provided, single submitter. Criteria: Invitae Variant Classification Sherloc (09022015). Collection method: clinical testing. Allele origin: germline.
Comment: This sequence change replaces glutamine, which is neutral and polar, with proline, which is neutral and non-polar, at codon 503 of the DYRK1A protein (p.Gln503Pro). This variant is not present in population databases (gnomAD no frequency). This variant has not been reported in the literature in individuals affected with DYRK1A-related conditions. ClinVar contains an entry for this variant (Variation ID: 1475091). Advanced modeling of protein sequence and biophysical properties (such as structural, functional, and spatial information, amino acid conservation, physicochemical variation, residue mobility, and thermodynamic stability) performed at Invitae indicates that this missense variant is not expected to disrupt DYRK1A protein function with a negative predictive value of 80%. In summary, the available evidence is currently insufficient to determine the role of this variant in disease. Therefore, it has been classified as a Variant of Uncertain Significance.